The following is an entry in ClinVar:

NM_001199799.2(ILDR1):c.1148G>A (p.Arg383Gln)

Gene: ILDR1 (immunoglobulin like domain containing receptor 1; minus strand). Cytogenetic location: 3q13.33.
Variant type: single nucleotide variant.
Coding change: c.1148G>A on transcript NM_001199799.2 (MANE Select); coding-DNA position 1148, G replaced by A.
Protein change: p.Arg383Gln; replaces arginine 383 with glutamine.
Molecular consequence: missense variant.
Genome position (GRCh38, 1-based): chr3:121,993,601, C>T on the plus strand (G>A on the coding strand, the complement: ILDR1 is on the minus strand). VCF-style: chr3-121993601-C-T. GRCh37 (hg19) VCF-style: chr3-121712448-C-T.
Other names: c.1148G>A (NM_001199799.1); c.881G>A, p.Arg294Gln (NM_001199800.2); c.1016G>A, p.Arg339Gln (NM_175924.4); short protein forms R339Q, R294Q, R383Q.
Identifiers: ClinVar variation 1917992 (VCV001917992.6), dbSNP rs776320185, ClinGen allele CA2568755.

ClinVar aggregate classification (germline): Uncertain significance. Review status: criteria provided, multiple submitters, no conflicts (2 of 4 stars). 2 submissions from 2 submitters: Uncertain significance (2). Last evaluated 2025-08-14.

Conditions:
Inborn genetic diseases. Identifiers: MedGen C0950123, MeSH D030342.

Allele frequency attached by ClinVar (database versions not stated): gnomAD exomes 0.00001; TOPMed 0.00001; ExAC 0.00002.
gnomAD v4.1: 18 of 1,614,212 alleles (0.0011%); highest among the groups gnomAD compares: East Asian, 0.011%; no homozygotes.

Submissions (2):

Ambry Genetics
Classification: Uncertain significance for Inborn genetic diseases. Last evaluated: 2025-08-14. Review status: criteria provided, single submitter. Criteria: Ambry Variant Classification Scheme 2023. Collection method: clinical testing. Allele origin: germline.

Labcorp Genetics (formerly Invitae), Labcorp
Classification: Uncertain significance. Last evaluated: 2024-02-17. Review status: criteria provided, single submitter. Criteria: Invitae Variant Classification Sherloc (09022015). Collection method: clinical testing. Allele origin: germline.
Comment: This sequence change replaces arginine, which is basic and polar, with glutamine, which is neutral and polar, at codon 383 of the ILDR1 protein (p.Arg383Gln). This variant is present in population databases (rs776320185, gnomAD 0.02%). This variant has not been reported in the literature in individuals affected with ILDR1-related conditions. ClinVar contains an entry for this variant (Variation ID: 1917992). Algorithms developed to predict the effect of missense changes on protein structure and function output the following: SIFT: "Not Available"; PolyPhen-2: "Benign"; Align-GVGD: "Not Available". The glutamine amino acid residue is found in multiple mammalian species, which suggests that this missense change does not adversely affect protein function. In summary, the available evidence is currently insufficient to determine the role of this variant in disease. Therefore, it has been classified as a Variant of Uncertain Significance.